The following is an entry in ClinVar:

ClinVar aggregate classification (germline): Pathogenic/Likely pathogenic. Review status: criteria provided, multiple submitters, no conflicts (2 of 4 stars). 6 submissions from 6 submitters: Pathogenic (2); Likely pathogenic (2). 2 of the submissions do not count toward it. Last evaluated 2024-04-05.

Conditions:
Oculodentodigital dysplasia (ODDD). Also called: ODD SYNDROME; Oculodentodigital syndrome. Identifiers: Orphanet 2710, MedGen C0812437, MONDO:0008111, OMIM 164200.
Oculodentodigital dysplasia, autosomal recessive. Also called: OCULODENTOOSSEOUS DYSPLASIA, AUTOSOMAL RECESSIVE; ODDD, AUTOSOMAL RECESSIVE; ODOD, AUTOSOMAL RECESSIVE. Identifiers: Orphanet 2710, MedGen C2749477, MONDO:0009768, OMIM 257850.

Allele frequency attached by ClinVar (database versions not stated): TOPMed below 0.00001; gnomAD 0.00001.
gnomAD v4.1: 1 of 1,613,986 alleles (0.000062%); no homozygotes.

Submissions (6):

Revvity Omics, Revvity
Classification: Likely pathogenic. Last evaluated: 2024-04-05. Review status: criteria provided, single submitter. Criteria: ACMG Guidelines, 2015. Collection method: clinical testing. Allele origin: germline.

Labcorp Genetics (formerly Invitae), Labcorp
Classification: Pathogenic for Oculodentodigital dysplasia, autosomal recessive. Last evaluated: 2023-07-20. Review status: criteria provided, single submitter. Criteria: Invitae Variant Classification Sherloc (09022015). Collection method: clinical testing. Allele origin: germline.
Comment: Advanced modeling of protein sequence and biophysical properties (such as structural, functional, and spatial information, amino acid conservation, physicochemical variation, residue mobility, and thermodynamic stability) performed at Invitae indicates that this missense variant is not expected to disrupt GJA1 protein function. Experimental studies have shown that this missense change affects GJA1 function (PMID: 33080786). For these reasons, this variant has been classified as Pathogenic. ClinVar contains an entry for this variant (Variation ID: 435324). This sequence change replaces arginine, which is basic and polar, with glutamine, which is neutral and polar, at codon 148 of the GJA1 protein (p.Arg148Gln). This variant is not present in population databases (gnomAD no frequency). This missense change has been observed in individuals with autosomal dominant oculodentodigital dysplasia (PMID: 14729836, 33080786, 35023121).

GeneDx
Classification: Pathogenic. Last evaluated: 2022-11-02. Review status: criteria provided, single submitter. Criteria: GeneDx Variant Classification Process June 2021. Collection method: clinical testing. Allele origin: germline. Affected: yes.
Comment: Published functional studies demonstrate improper protein localization and impaired ability to form functional gap junctions (Zheng et al., 2020); Not observed at significant frequency in large population cohorts (gnomAD); This variant is associated with the following publications: (PMID: 36142674, 14729836, 34502077, 32318302, 21871435, 32676758, 31023660, 18946008, 19338053, 35023121, 33080786)

Genetic Services Laboratory, University of Chicago
Classification: Likely pathogenic for Oculodentodigital dysplasia. Last evaluated: 2015-09-15. Review status: criteria provided, single submitter. Criteria: ACMG Guidelines, 2015. Collection method: clinical testing. Allele origin: germline. Affected: yes.

Genome Diagnostics Laboratory, Amsterdam University Medical Center
Classification: Likely pathogenic. Review status: no assertion criteria provided. Collection method: clinical testing. Allele origin: germline. Affected: yes. Study: VKGL Data-share Consensus. Not counted in ClinVar's aggregate classification.

Joint Genome Diagnostic Labs from Nijmegen and Maastricht, Radboudumc and MUMC+
Classification: Likely pathogenic. Review status: no assertion criteria provided. Collection method: clinical testing. Allele origin: germline. Affected: yes. Study: VKGL Data-share Consensus. Not counted in ClinVar's aggregate classification.

Literature cited by the submitters: PubMed 33080786 (cited by Labcorp Genetics (formerly Invitae), Labcorp); PubMed 14729836 (cited by Labcorp Genetics (formerly Invitae), Labcorp); PubMed 35023121 (cited by Labcorp Genetics (formerly Invitae), Labcorp).

NM_000165.5(GJA1):c.443G>A (p.Arg148Gln)

Gene: GJA1 (gap junction protein alpha 1; plus strand). Cytogenetic location: 6q22.31.
Variant type: single nucleotide variant.
Coding change: c.443G>A on transcript NM_000165.5 (MANE Select); coding-DNA position 443, G replaced by A.
Protein change: p.Arg148Gln; replaces arginine 148 with glutamine.
Molecular consequence: missense variant.
Genome position (GRCh38, 1-based): chr6:121,447,290, G>A. VCF-style: chr6-121447290-G-A. GRCh37 (hg19) VCF-style: chr6-121768436-G-A.
Other names: short protein forms R148Q.
Identifiers: ClinVar variation 435324 (VCV000435324.16), dbSNP rs962041031, ClinGen allele CA146810025.
Genomic context (GRCh38, chr6:121,447,290, plus strand): 5'-AGCAGATTGAGATAAAGAAGTTCAAGTACGGTATTGAAGAGCATGGTAAGGTGAAAATGC[G>A]AGGGGGGTTGCTGCGAACCTACATCATCAGTATCCTCTTCAAGTCTATCTTTGAGGTGGC-3'
Protein context (NP_000156.1, residues 138-158): GIEEHGKVKM[Arg148Gln]GGLLRTYIIS